The following is an entry in ClinVar:

NM_001267550.2(TTN):c.65300T>C (p.Ile21767Thr)

Genes: TTN (titin; minus strand), TTN-AS1 (TTN antisense RNA 1; plus strand). Cytogenetic location: 2q31.2.
Variant type: single nucleotide variant.
Coding change: c.65300T>C on transcript NM_001267550.2 (MANE Select); coding-DNA position 65300, T replaced by C.
Protein change: p.Ile21767Thr; replaces isoleucine 21767 with threonine.
Molecular consequence: missense variant. On other transcripts: non-coding transcript variant (1).
Genome position (GRCh38, 1-based): chr2:178,583,882, A>G on the plus strand (T>C on the coding strand, the complement: TTN is on the minus strand). VCF-style: chr2-178583882-A-G. GRCh37 (hg19) VCF-style: chr2-179448609-A-G.
Other names: c.60377T>C, p.Ile20126Thr (NM_001256850.1); c.38105T>C, p.Ile12702Thr (NM_003319.4); c.57596T>C, p.Ile19199Thr (NM_133378.4); c.38480T>C, p.Ile12827Thr (NM_133432.3); c.38681T>C, p.Ile12894Thr (NM_133437.4); short protein forms I19199T, I21767T, I12702T, I12894T, I12827T, I20126T.
Identifiers: ClinVar variation 501565 (VCV000501565.12), dbSNP rs762578274, ClinGen allele CA1991727.

ClinVar aggregate classification (germline): Conflicting classifications of pathogenicity. Review status: criteria provided, conflicting classifications (1 of 4 stars). 5 submissions from 5 submitters: Uncertain significance (3); Likely benign (2). Last evaluated 2025-07-24.

Conditions:
Cardiovascular phenotype. Identifiers: MedGen CN230736.

Allele frequency attached by ClinVar (database versions not stated): ExAC 0.00005; gnomAD exomes 0.00004 and 0.00002; TOPMed 0.00001; gnomAD 0.00002.
gnomAD v4.1: 52 of 1,591,668 alleles (0.0033%); highest among the groups gnomAD compares: Non-Finnish European, 0.004%; no homozygotes.

Submissions (5):

Molecular Diagnostic Laboratory for Inherited Cardiovascular Disease, Montreal Heart Institute
Classification: Likely benign. Last evaluated: 2025-07-24. Review status: criteria provided, single submitter. Criteria: ACMG Guidelines, 2015. Collection method: clinical testing. Allele origin: germline. Affected: no.
Comment: BP7

Women's Health and Genetics/Laboratory Corporation of America, LabCorp
Classification: Uncertain significance. Last evaluated: 2024-08-27. Review status: criteria provided, single submitter. Criteria: LabCorp Variant Classification Summary - May 2015. Collection method: clinical testing. Allele origin: germline.
Comment: Variant summary: TTN c.57596T>C (p.Ile19199Thr) results in a non-conservative amino acid change located in the A-band domain of the encoded protein sequence. Two of three in-silico tools predict a damaging effect of the variant on protein function. The variant allele was found at a frequency of 2.2e-05 in 228420 control chromosomes. The available data on variant occurrences in the general population are insufficient to allow any conclusion about variant significance. To our knowledge, no occurrence of c.57596T>C in individuals affected with Limb-Girdle Muscular Dystrophy, Type 2J and no experimental evidence demonstrating its impact on protein function have been reported. ClinVar contains an entry for this variant (Variation ID: 501565). Based on the evidence outlined above, the variant was classified as uncertain significance.

Ambry Genetics
Classification: Uncertain significance for Cardiovascular phenotype. Last evaluated: 2020-03-10. Review status: criteria provided, single submitter. Criteria: Ambry Variant Classification Scheme 2023. Collection method: clinical testing. Allele origin: germline.
Comment: The p.I12702T variant (also known as c.38105T>C), located in coding exon 139 of the TTN gene, results from a T to C substitution at nucleotide position 38105. The isoleucine at codon 12702 is replaced by threonine, an amino acid with similar properties. This amino acid position is not well conserved in available vertebrate species. In addition, this alteration is predicted to be tolerated by in silico analysis. Since supporting evidence is limited at this time, the clinical significance of this alteration remains unclear.

GeneDx
Classification: Likely benign. Last evaluated: 2019-11-11. Review status: criteria provided, single submitter. Criteria: GeneDx Variant Classification Process June 2021. Collection method: clinical testing. Allele origin: germline. Affected: yes.

Eurofins Ntd Llc (ga)
Classification: Uncertain significance. Last evaluated: 2017-04-27. Review status: criteria provided, single submitter. Criteria: EGL Classification Definitions 2015. Collection method: clinical testing. Allele origin: germline. Observed: 1 variant allele, 1 heterozygote.